The following is an entry in ClinVar:

NM_004415.4(DSP):c.1642G>A (p.Val548Met)

Gene: DSP (desmoplakin; plus strand). Cytogenetic location: 6p24.3.
Variant type: single nucleotide variant.
Coding change: c.1642G>A on transcript NM_004415.4 (MANE Select); coding-DNA position 1642, G replaced by A.
Protein change: p.Val548Met; replaces valine 548 with methionine.
Molecular consequence: missense variant.
Genome position (GRCh38, 1-based): chr6:7,570,504, G>A. VCF-style: chr6-7570504-G-A. GRCh37 (hg19) VCF-style: chr6-7570737-G-A.
Other names: c.1642G>A, p.Val548Met (NM_001008844.3, NM_001319034.2); short protein forms V548M.
Identifiers: ClinVar variation 4792500 (VCV004792500.1).

ClinVar aggregate classification (germline): Uncertain significance (1 of 4 stars; one submission).

Conditions:
Arrhythmogenic cardiomyopathy with wooly hair and keratoderma. Also called: PALMOPLANTAR KERATODERMA WITH LEFT VENTRICULAR CARDIOMYOPATHY AND WOOLLY HAIR; Carvajal syndrome; Dilated cardiomyopathy with woolly hair and keratoderma; Arrhythmogenic cardiomyopathy with woolly hair and keratoderma. Identifiers: Orphanet 65282, MedGen C1854063, MONDO:0011581, OMIM 605676.
Arrhythmogenic right ventricular dysplasia 8 (ARVD8). Also called: Arrhythmogenic Right Ventricular Dysplasia/Cardiomyopathy 8; ARRHYTHMOGENIC RIGHT VENTRICULAR DYSPLASIA, FAMILIAL, 8; ARRHYTHMOGENIC RIGHT VENTRICULAR CARDIOMYOPATHY 8. Identifiers: MedGen C1843896, MONDO:0011831, OMIM 607450.

Submission:

Labcorp Genetics (formerly Invitae), Labcorp
Classification: Uncertain significance for Arrhythmogenic cardiomyopathy with wooly hair and keratoderma; Arrhythmogenic right ventricular dysplasia 8. Last evaluated: 2025-03-19. Review status: criteria provided, single submitter. Criteria: Invitae Variant Classification Sherloc (09022015). Collection method: clinical testing. Allele origin: germline.
Comment: This sequence change replaces valine, which is neutral and non-polar, with methionine, which is neutral and non-polar, at codon 548 of the DSP protein (p.Val548Met). This variant is not present in population databases (gnomAD no frequency). This variant has not been reported in the literature in individuals affected with DSP-related conditions. An algorithm developed to predict the effect of missense changes on protein structure and function (PolyPhen-2) suggests that this variant is likely to be disruptive. In summary, the available evidence is currently insufficient to determine the role of this variant in disease. Therefore, it has been classified as a Variant of Uncertain Significance.